The following is an entry in ClinVar:

NM_000051.4(ATM):c.9101T>G (p.Leu3034Trp)

Genes: ATM (ATM serine/threonine kinase; plus strand), C11orf65 (chromosome 11 open reading frame 65; minus strand). Cytogenetic location: 11q22.3.
Variant type: single nucleotide variant.
Coding change: c.9101T>G on transcript NM_000051.4 (MANE Select); coding-DNA position 9101, T replaced by G.
Protein change: p.Leu3034Trp; replaces leucine 3034 with tryptophan.
Molecular consequence: missense variant. On other transcripts: intron variant (2).
Genome position (GRCh38, 1-based): chr11:108,365,438, T>G. VCF-style: chr11-108365438-T-G. GRCh37 (hg19) VCF-style: chr11-108236165-T-G.
Other names: c.9101T>G, p.Leu3034Trp (NM_001351834.2); c.640+20482A>C (NM_001330368.2); c.694+20482A>C (NM_001351110.2); short protein forms L3034W.
Identifiers: ClinVar variation 482538 (VCV000482538.13), dbSNP rs1555151992, ClinGen allele CA382531946.

ClinVar aggregate classification (germline): Uncertain significance. Review status: criteria provided, multiple submitters, no conflicts (2 of 4 stars). 2 submissions from 2 submitters: Uncertain significance (2). Last evaluated 2024-03-04.

Conditions:
Hereditary cancer-predisposing syndrome. Also called: Neoplastic Syndromes, Hereditary; Hereditary Cancer Syndrome; Tumor predisposition; Hereditary neoplastic syndrome. Identifiers: Orphanet 140162, MedGen C0027672, MeSH D009386, MONDO:0015356.
Ataxia-telangiectasia syndrome (AT). Also called: LOUIS-BAR SYNDROME; Cerebello-oculocutaneous telangiectasia; Immunodeficiency with ataxia telangiectasia; Ataxia-telangiectasia, complementation group D; AT, COMPLEMENTATION GROUP C; Ataxia-telangiectasia, complementation group E. Identifiers: Orphanet 100, MedGen C0004135, MONDO:0008840, OMIM 208900.

Allele frequency attached by ClinVar (database versions not stated): gnomAD exomes below 0.00001.
gnomAD v4.1: 2 of 1,614,212 alleles (0.00012%); highest among the groups gnomAD compares: Non-Finnish European, 0.00017%; no homozygotes.

Submissions (2):

Ambry Genetics
Classification: Uncertain significance for Hereditary cancer-predisposing syndrome. Last evaluated: 2024-03-04. Review status: criteria provided, single submitter. Criteria: Ambry Variant Classification Scheme 2023. Collection method: clinical testing. Allele origin: germline.
Comment: The p.L3034W variant (also known as c.9101T>G), located in coding exon 62 of the ATM gene, results from a T to G substitution at nucleotide position 9101. The leucine at codon 3034 is replaced by tryptophan, an amino acid with similar properties. This amino acid position is highly conserved in available vertebrate species. In addition, the in silico prediction for this alteration is inconclusive. Since supporting evidence is limited at this time, the clinical significance of this alteration remains unclear.

Labcorp Genetics (formerly Invitae), Labcorp
Classification: Uncertain significance for Ataxia-telangiectasia syndrome. Last evaluated: 2023-02-25. Review status: criteria provided, single submitter. Criteria: Invitae Variant Classification Sherloc (09022015). Collection method: clinical testing. Allele origin: germline.
Comment: In summary, the available evidence is currently insufficient to determine the role of this variant in disease. Therefore, it has been classified as a Variant of Uncertain Significance. ClinVar contains an entry for this variant (Variation ID: 482538). An algorithm developed to predict the effect of missense changes on protein structure and function (PolyPhen-2) suggests that this variant is likely to be disruptive. This sequence change replaces leucine, which is neutral and non-polar, with tryptophan, which is neutral and slightly polar, at codon 3034 of the ATM protein (p.Leu3034Trp). This variant is not present in population databases (gnomAD no frequency). This variant has not been reported in the literature in individuals affected with ATM-related conditions.